The following is an entry in ClinVar:

ClinVar aggregate classification (germline): Pathogenic/Likely pathogenic. Review status: criteria provided, multiple submitters, no conflicts (2 of 4 stars). 3 submissions from 3 submitters: Pathogenic (1); Likely pathogenic (2). Last evaluated 2024-10-18.

Conditions:
Usher syndrome type 2C. Also called: Usher syndrome, type 2B; USHER SYNDROME, TYPE IIC. Identifiers: Orphanet 231178, Orphanet 886, MedGen C2931213, MONDO:0011558, OMIM 605472.
Febrile seizures, familial, 4 (FEB4). Also called: CONVULSIONS, FAMILIAL FEBRILE, 4. Identifiers: MedGen C1858493, MONDO:0011443, OMIM 604352.

Allele frequency attached by ClinVar (database versions not stated): gnomAD exomes below 0.00001; TOPMed below 0.00001.

Submissions (3):

GeneDx
Classification: Likely pathogenic. Last evaluated: 2024-10-18. Review status: criteria provided, single submitter. Criteria: GeneDx Variant Classification Process June 2021. Collection method: clinical testing. Allele origin: germline. Affected: yes.
Comment: Frameshift variant predicted to result in protein truncation or nonsense mediated decay in a gene for which loss of function is a known mechanism of disease; Not observed at significant frequency in large population cohorts (gnomAD); Has not been previously published as pathogenic or benign in association with ADGRV1-related disorder to our knowledge; This variant is associated with the following publications: (PMID: 31964843)

Fulgent Genetics
Classification: Likely pathogenic for Febrile seizures, familial, 4; Usher syndrome type 2C. Last evaluated: 2024-04-19. Review status: criteria provided, single submitter. Criteria: ACMG Guidelines, 2015. Collection method: clinical testing. Allele origin: germline.

Labcorp Genetics (formerly Invitae), Labcorp
Classification: Pathogenic. Last evaluated: 2021-10-11. Review status: criteria provided, single submitter. Criteria: Invitae Variant Classification Sherloc (09022015). Collection method: clinical testing. Allele origin: germline.
Comment: For these reasons, this variant has been classified as Pathogenic. This variant has not been reported in the literature in individuals affected with ADGRV1-related conditions. This sequence change creates a premature translational stop signal (p.Ile3849Metfs*28) in the ADGRV1 gene. It is expected to result in an absent or disrupted protein product. Loss-of-function variants in ADGRV1 are known to be pathogenic (PMID: 19357117, 22135276, 22147658, 26226137, 26667666, 30029497, 32467589). This variant is not present in population databases (ExAC no frequency).

Literature cited by the submitters: PubMed 19357117 (cited by Labcorp Genetics (formerly Invitae), Labcorp); PubMed 22135276 (cited by Labcorp Genetics (formerly Invitae), Labcorp); PubMed 22147658 (cited by Labcorp Genetics (formerly Invitae), Labcorp); PubMed 26226137 (cited by Labcorp Genetics (formerly Invitae), Labcorp); PubMed 26667666 (cited by Labcorp Genetics (formerly Invitae), Labcorp); PubMed 30029497 (cited by Labcorp Genetics (formerly Invitae), Labcorp); PubMed 32467589 (cited by Labcorp Genetics (formerly Invitae), Labcorp).

NM_032119.4(ADGRV1):c.11547_11550del (p.Ile3849fs)

Gene: ADGRV1 (adhesion G protein-coupled receptor V1; plus strand). Cytogenetic location: 5q14.3.
Variant type: Deletion.
Coding change: c.11547_11550del on transcript NM_032119.4 (MANE Select); coding-DNA positions 11547 to 11550, 4 bases deleted (AAAA; older notation c.11547_11550delAAAA).
Protein change: p.Ile3849fs; shifts the reading frame from isoleucine 3849.
Molecular consequence: frameshift variant. On other transcripts: non-coding transcript variant (1).
Genome position (GRCh38, 1-based): chr5:90,755,152-90,755,155, AAAA deleted. VCF-style (leftmost placement, unchanged base first): chr5-90755151-TAAAA-T. GRCh37 (hg19) VCF-style: chr5-90050968-TAAAA-T.
Other names: c.11547_11550del (NM_032119.3); short protein forms I3849fs.
Identifiers: ClinVar variation 1371066 (VCV001371066.8), dbSNP rs1471607090, ClinGen allele CA561259983.